The following is an entry in ClinVar:

NM_000038.6(APC):c.7201C>G (p.Leu2401Val)

Gene: APC (APC regulator of Wnt signaling pathway; plus strand). Cytogenetic location: 5q22.2.
Variant type: single nucleotide variant.
Coding change: c.7201C>G on transcript NM_000038.6 (MANE Select); coding-DNA position 7201, C replaced by G.
Protein change: p.Leu2401Val; replaces leucine 2401 with valine.
Molecular consequence: missense variant.
Genome position (GRCh38, 1-based): chr5:112,842,795, C>G. VCF-style: chr5-112842795-C-G. GRCh37 (hg19) VCF-style: chr5-112178492-C-G.
Other names: c.7201C>G, p.Leu2401Val (NM_001127510.3, NM_001354895.2); c.7147C>G, p.Leu2383Val (NM_001127511.3); c.7255C>G, p.Leu2419Val (NM_001354896.2); c.7231C>G, p.Leu2411Val (NM_001354897.2); c.7126C>G, p.Leu2376Val (NM_001354898.2); c.7117C>G, p.Leu2373Val (NM_001354899.2); c.7078C>G, p.Leu2360Val (NM_001354900.2); c.7024C>G, p.Leu2342Val (NM_001354901.2); and 5 more; short protein forms L2383V, L2401V, L2300V, L2275V, L2310V, L2342V, L2373V, L2419V.
Identifiers: ClinVar variation 411542 (VCV000411542.10), dbSNP rs2229994, ClinGen allele CA16037014.
Genomic context (GRCh38, chr5:112,842,795, plus strand): 5'-CAAACAGGTTTATCCAAGAATGCCAGTAGTATTCCAAGAAGTGAGTCTGCCTCCAAAGGA[C>G]TAAATCAGATGAATAATGGTAATGGAGCCAATAAAAAGGTAGAACTTTCTAGAATGTCTT-3'
Protein context (NP_000029.2, residues 2391-2411): IPRSESASKG[Leu2401Val]NQMNNGNGAN

ClinVar aggregate classification (germline): Uncertain significance (1 of 4 stars; one submission).

Conditions:
Familial adenomatous polyposis 1 (FAP1). Also called: FAMILIAL ADENOMATOUS POLYPOSIS 1, ATTENUATED; POLYPOSIS, ADENOMATOUS INTESTINAL. Identifiers: MedGen C2713442, MONDO:0021056, OMIM 175100. Disease mechanism: loss of function.

Submission:

Labcorp Genetics (formerly Invitae), Labcorp
Classification: Uncertain significance for Familial adenomatous polyposis 1. Last evaluated: 2016-05-13. Review status: criteria provided, single submitter. Criteria: Invitae Variant Classification Sherloc (09022015). Collection method: clinical testing. Allele origin: germline.
Comment: This sequence change replaces leucine with valine at codon 2401 of the APC protein (p.Leu2401Val). The leucine residue is highly conserved and there is a small physicochemical difference between leucine and valine. This variant is not present in population databases (ExAC no frequency) and has not been reported in the literature in individuals with a APC-related disease. Algorithms developed to predict the effect of missense changes on protein structure and function do not agree on the potential impact of this missense change (SIFT: "Tolerated"; PolyPhen-2: "Probably Damaging"; Align-GVGD: "Class C0"). In summary, this variant is a novel missense change with uncertain impact on protein function. It has been classified as a Variant of Uncertain Significance.